The following is an entry in ClinVar:

NM_206933.4(USH2A):c.841A>C (p.Thr281Pro)

Gene: USH2A (usherin; minus strand). Cytogenetic location: 1q41.
Variant type: single nucleotide variant.
Coding change: c.841A>C on transcript NM_206933.4 (MANE Select); coding-DNA position 841, A replaced by C.
Protein change: p.Thr281Pro; replaces threonine 281 with proline.
Molecular consequence: missense variant.
Genome position (GRCh38, 1-based): chr1:216,327,598, T>G on the plus strand (A>C on the coding strand, the complement: USH2A is on the minus strand). VCF-style: chr1-216327598-T-G. GRCh37 (hg19) VCF-style: chr1-216500940-T-G.
Other names: c.841A>C, p.Thr281Pro (NM_007123.6); short protein forms T281P.
Identifiers: ClinVar variation 988659 (VCV000988659.2), dbSNP rs2037760472, ClinGen allele CA344912815.

ClinVar aggregate classification (germline): Uncertain significance. Review status: criteria provided, single submitter (1 of 4 stars). 2 submissions from 2 submitters: Uncertain significance (1). 1 of the submissions does not count toward it.

Conditions:
Usher syndrome type 2A. Also called: RETINAL DISEASE IN USHER SYNDROME TYPE IIA, MODIFIER OF; USHER SYNDROME, TYPE IIA. Identifiers: Orphanet 231178, Orphanet 886, MedGen C1848634, MONDO:0010169, OMIM 276901.
Retinitis pigmentosa (RP). Identifiers: Orphanet 791, MedGen C0035334, MeSH D012174, MONDO:0019200, OMIM 268000. Inheritance: Autosomal dominant, autosomal recessive and X linked inheritance.

Allele frequency attached by ClinVar (database versions not stated): gnomAD exomes below 0.00001.
gnomAD v4.1: 1 of 1,613,192 alleles (0.000062%); highest among the groups gnomAD compares: East Asian, 0.0022%; no homozygotes.

Submissions (2):

Department of Genetics, Fundacion Jimenez Diaz University Hospital
Classification: Uncertain significance for Retinitis pigmentosa. Review status: criteria provided, single submitter. Criteria: ACMG Guidelines, 2015. Collection method: clinical testing. Allele origin: unknown. Affected: yes.
Comment: Variant not found in population databases, missense variant in a gene that has a low rate of benign missense variation, predicted deletereous by in-silico pathogenicity predictors. (ACMG: PM2 Moderate, PP2 Supporting, PP3 Supporting). Found in trans with variant NM_206933:c.841A>C)

Natera, Inc.
Classification: Uncertain significance for Usher syndrome type 2A. Last evaluated: 2025-02-10. Review status: no assertion criteria provided. Collection method: clinical testing. Allele origin: germline. Not counted in ClinVar's aggregate classification.